The following is an entry in ClinVar:

ClinVar aggregate classification (germline): Uncertain significance. Review status: criteria provided, multiple submitters, no conflicts (2 of 4 stars). 3 submissions from 3 submitters: Uncertain significance (3). Last evaluated 2022-11-16.

gnomAD v4.1: 3 of 1,608,450 alleles (0.00019%); highest among the groups gnomAD compares: African/African-American, 0.0013%; no homozygotes.

Submissions (3):

GeneDx
Classification: Uncertain significance. Last evaluated: 2022-11-16. Review status: criteria provided, single submitter. Criteria: GeneDx Variant Classification Process June 2021. Collection method: clinical testing. Allele origin: germline. Affected: yes.
Comment: Not observed at significant frequency in large population cohorts (gnomAD); In silico analysis supports that this missense variant does not alter protein structure/function; Has not been previously published as pathogenic or benign to our knowledge

Labcorp Genetics (formerly Invitae), Labcorp
Classification: Uncertain significance. Last evaluated: 2021-11-24. Review status: criteria provided, single submitter. Criteria: Invitae Variant Classification Sherloc (09022015). Collection method: clinical testing. Allele origin: germline.
Comment: In summary, the available evidence is currently insufficient to determine the role of this variant in disease. Therefore, it has been classified as a Variant of Uncertain Significance. Algorithms developed to predict the effect of missense changes on protein structure and function output the following: SIFT: "Deleterious"; PolyPhen-2: "Benign"; Align-GVGD: "Class C0". The tryptophan amino acid residue is found in multiple mammalian species, which suggests that this missense change does not adversely affect protein function. This variant has not been reported in the literature in individuals affected with GPR179-related conditions. This variant is not present in population databases (gnomAD no frequency). This sequence change replaces glycine, which is neutral and non-polar, with tryptophan, which is neutral and slightly polar, at codon 330 of the GPR179 protein (p.Gly330Trp).

Blueprint Genetics
Classification: Uncertain significance. Last evaluated: 2017-12-15. Review status: criteria provided, single submitter. Criteria: ACMG Guidelines, 2015. Collection method: clinical testing. Allele origin: germline.

NM_001004334.4(GPR179):c.988G>T (p.Gly330Trp)

Gene: GPR179 (G protein-coupled receptor 179; minus strand). Cytogenetic location: 17q12.
Variant type: single nucleotide variant.
Coding change: c.988G>T on transcript NM_001004334.4 (MANE Select); coding-DNA position 988, G replaced by T.
Protein change: p.Gly330Trp; replaces glycine 330 with tryptophan.
Molecular consequence: missense variant.
Genome position (GRCh38, 1-based): chr17:38,337,636, C>A on the plus strand (G>T on the coding strand, the complement: GPR179 is on the minus strand). VCF-style: chr17-38337636-C-A. GRCh37 (hg19) VCF-style: chr17-36493519-C-A.
Other names: c.988G>T (NM_001004334.3); short protein forms G330W.
Identifiers: ClinVar variation 1493118 (VCV001493118.7), dbSNP rs377272094, ClinGen allele CA290109595.